The following is an entry in ClinVar:

ClinVar aggregate classification (germline): Uncertain significance (1 of 4 stars; one submission).

gnomAD v4.1: 4 of 1,614,224 alleles (0.00025%); highest among the groups gnomAD compares: Non-Finnish European, 0.00034%; no homozygotes.

Submission:

Labcorp Genetics (formerly Invitae), Labcorp
Classification: Uncertain significance. Last evaluated: 2021-12-12. Review status: criteria provided, single submitter. Criteria: Invitae Variant Classification Sherloc (09022015). Collection method: clinical testing. Allele origin: germline.
Comment: This sequence change replaces alanine, which is neutral and non-polar, with threonine, which is neutral and polar, at codon 1773 of the ANK1 protein (p.Ala1773Thr). This variant is present in population databases (no rsID available, gnomAD 0.0009%). This variant has not been reported in the literature in individuals affected with ANK1-related conditions. Algorithms developed to predict the effect of missense changes on protein structure and function output the following: SIFT: "Tolerated"; PolyPhen-2: "Benign"; Align-GVGD: "Class C0". The threonine amino acid residue is found in multiple mammalian species, which suggests that this missense change does not adversely affect protein function. In summary, the available evidence is currently insufficient to determine the role of this variant in disease. Therefore, it has been classified as a Variant of Uncertain Significance.

NM_000037.4(ANK1):c.5317G>A (p.Ala1773Thr)

Gene: ANK1 (ankyrin 1; minus strand). Cytogenetic location: 8p11.21.
Variant type: single nucleotide variant.
Coding change: c.5317G>A on transcript NM_000037.4 (MANE Select); coding-DNA position 5317, G replaced by A.
Protein change: p.Ala1773Thr; replaces alanine 1773 with threonine.
Molecular consequence: missense variant.
Genome position (GRCh38, 1-based): chr8:41,668,344, C>T on the plus strand (G>A on the coding strand, the complement: ANK1 is on the minus strand). VCF-style: chr8-41668344-C-T. GRCh37 (hg19) VCF-style: chr8-41525862-C-T.
Other names: c.5440G>A, p.Ala1814Thr (NM_001142446.2); c.5317G>A, p.Ala1773Thr (NM_020475.3, NM_020476.3); c.4831G>A, p.Ala1611Thr (NM_020477.3); short protein forms A1814T, A1611T, A1773T.
Identifiers: ClinVar variation 2195291 (VCV002195291.4), dbSNP rs376971961, ClinGen allele CA371051256.
Genomic context (GRCh38, chr8:41,668,344, plus strand): 5'-AGGTGTTCTTGGCCTCCTGCACCTGCTCTTCTTGGCCTTGCTGCCTCCGGTCCCTGTCGG[C>T]CTGGGAGCTCTCAGCCTCGGGCTGTTCTGTCCACGTGTGCTCACTTACAGACACCAGGAC-3'
Protein context (NP_000028.3, residues 1763-1783): TEQPEAESSQ[Ala1773Thr]DRDRRQQGQE